The following is an entry in ClinVar:

NM_177924.5(ASAH1):c.32T>G (p.Leu11Arg)

Genes: ASAH1 (N-acylsphingosine amidohydrolase 1; minus strand), LOC129999940 (ATAC-STARR-seq lymphoblastoid silent region 18966; plus strand). Cytogenetic location: 8p22.
Variant type: single nucleotide variant.
Coding change: c.32T>G on transcript NM_177924.5 (MANE Select); coding-DNA position 32, T replaced by G.
Protein change: p.Leu11Arg; replaces leucine 11 with arginine.
Molecular consequence: missense variant. On other transcripts: intron variant (2).
Genome position (GRCh38, 1-based): chr8:18,084,027, A>C on the plus strand (T>G on the coding strand, the complement: ASAH1 is on the minus strand). VCF-style: chr8-18084027-A-C. GRCh37 (hg19) VCF-style: chr8-17941536-A-C.
Other names: c.126+649T>G (NM_004315.6, NM_001127505.3); short protein forms L11R.
Identifiers: ClinVar variation 2144720 (VCV002144720.1), dbSNP rs765954907, ClinGen allele CA4651130.

ClinVar aggregate classification (germline): Uncertain significance (1 of 4 stars; one submission).

Allele frequency attached by ClinVar (database versions not stated): ExAC 0.00002; gnomAD 0.00007; TOPMed 0.00008.

Submission:

Labcorp Genetics (formerly Invitae), Labcorp
Classification: Uncertain significance. Last evaluated: 2022-03-18. Review status: criteria provided, single submitter. Criteria: Invitae Variant Classification Sherloc (09022015). Collection method: clinical testing. Allele origin: germline.
Comment: This sequence change replaces leucine, which is neutral and non-polar, with arginine, which is basic and polar, at codon 11 of the ASAH1 protein (p.Leu11Arg). This variant is present in population databases (rs765954907, gnomAD 0.02%). This variant has not been reported in the literature in individuals affected with ASAH1-related conditions. Algorithms developed to predict the effect of missense changes on protein structure and function are either unavailable or do not agree on the potential impact of this missense change (SIFT: "Deleterious"; PolyPhen-2: "Benign"; Align-GVGD: "Class C0"). In summary, the available evidence is currently insufficient to determine the role of this variant in disease. Therefore, it has been classified as a Variant of Uncertain Significance.